The following is an entry in ClinVar:

NM_006648.4(WNK2):c.712C>T (p.Arg238Trp)

Gene: WNK2 (WNK lysine deficient protein kinase 2; plus strand). Cytogenetic location: 9q22.31.
Variant type: single nucleotide variant.
Coding change: c.712C>T on transcript NM_006648.4 (MANE Select); coding-DNA position 712, C replaced by T.
Protein change: p.Arg238Trp; replaces arginine 238 with tryptophan.
Molecular consequence: missense variant.
Genome position (GRCh38, 1-based): chr9:93,229,726, C>T. VCF-style: chr9-93229726-C-T. GRCh37 (hg19) VCF-style: chr9-95992008-C-T.
Other names: c.712C>T, p.Arg238Trp (NM_001282394.3); short protein forms R238W.
Identifiers: ClinVar variation 3816430 (VCV003816430.1).

ClinVar aggregate classification (germline): Uncertain significance (1 of 4 stars; one submission).

gnomAD v4.1: 5 of 1,613,242 alleles (0.00031%); highest among the groups gnomAD compares: Non-Finnish European, 0.00042%; no homozygotes.

Submission:

Ambry Genetics
Classification: Uncertain significance. Last evaluated: 2024-12-12. Review status: criteria provided, single submitter. Criteria: Ambry Variant Classification Scheme 2023. Collection method: clinical testing. Allele origin: germline.
Comment: The p.R238W variant (also known as c.712C>T), located in coding exon 2 of the WNK2 gene, results from a C to T substitution at nucleotide position 712. The arginine at codon 238 is replaced by tryptophan, an amino acid with dissimilar properties. This amino acid position is conserved. In addition, this alteration is predicted to be deleterious by in silico analysis. Based on the available evidence, the clinical significance of this variant remains unclear.